The following is an entry in ClinVar:

ClinVar aggregate classification (germline): Uncertain significance. Review status: criteria provided, multiple submitters, no conflicts (2 of 4 stars). 5 submissions from 5 submitters: Uncertain significance (5). Last evaluated 2025-11-17.

Conditions:
Hereditary nonpolyposis colorectal neoplasms. Identifiers: MedGen C0009405, MeSH D003123.
Mismatch repair cancer syndrome 3. Identifiers: MedGen C5436807, MONDO:0030841, OMIM 619097.
Endometrial carcinoma. Also called: Endometrial carcinoma, somatic. Identifiers: MedGen C0476089, MONDO:0002447, OMIM 608089, HP:0012114.
Lynch syndrome 5 (LYNCH5). Also called: Hereditary non-polyposis colorectal cancer, type 5; Colorectal cancer, hereditary nonpolyposis, type 5. Identifiers: Orphanet 144, MedGen C1833477, MONDO:0013710, OMIM 614350. Disease mechanism: loss of function.
Hereditary cancer-predisposing syndrome. Also called: Tumor predisposition; Hereditary neoplastic syndrome; Hereditary Cancer Syndrome; Neoplastic Syndromes, Hereditary. Identifiers: Orphanet 140162, MedGen C0027672, MeSH D009386, MONDO:0015356.

Submissions (5):

Labcorp Genetics (formerly Invitae), Labcorp
Classification: Uncertain significance for Hereditary nonpolyposis colorectal neoplasms. Last evaluated: 2025-11-17. Review status: criteria provided, single submitter. Criteria: Invitae Variant Classification Sherloc (09022015). Collection method: clinical testing. Allele origin: germline.
Comment: This sequence change replaces phenylalanine, which is neutral and non-polar, with leucine, which is neutral and non-polar, at codon 726 of the MSH6 protein (p.Phe726Leu). This variant is not present in population databases (gnomAD no frequency). This variant has not been reported in the literature in individuals affected with MSH6-related conditions. ClinVar contains an entry for this variant (Variation ID: 233402). Invitae Evidence Modeling of protein sequence and biophysical properties (such as structural, functional, and spatial information, amino acid conservation, physicochemical variation, residue mobility, and thermodynamic stability) indicates that this missense variant is not expected to disrupt MSH6 protein function with a negative predictive value of 95%. In summary, the available evidence is currently insufficient to determine the role of this variant in disease. Therefore, it has been classified as a Variant of Uncertain Significance.

Dasa
Classification: Uncertain significance. Last evaluated: 2025-03-11. Review status: criteria provided, single submitter. Criteria: DASA Assertion Criteria. Collection method: clinical testing. Allele origin: germline.
Comment: NM_000179.3(MSH6):c.2176T>C (p.Phe726Leu) is a missense variant that results in the substitution of phenylalanine with leucine. This variant is absent from population databases. Computational prediction algorithms are consistent with a benign effect. The currently available literature and clinical evidence are not sufficient to establish a definitive association between this variant and the reported condition. Therefore, this variant is classified as a variant of uncertain significance.

Department of Pathology and Laboratory Medicine, Sinai Health System
Classification: Uncertain significance for Endometrial carcinoma; Lynch syndrome 5; Mismatch repair cancer syndrome 3. Last evaluated: 2025-01-06. Review status: criteria provided, single submitter. Criteria: ACMG Guidelines, 2015. Collection method: clinical testing. Allele origin: germline.

Ambry Genetics
Classification: Uncertain significance for Hereditary cancer-predisposing syndrome. Last evaluated: 2022-02-07. Review status: criteria provided, single submitter. Criteria: Ambry Variant Classification Scheme 2023. Collection method: clinical testing. Allele origin: germline.
Comment: The p.F726L variant (also known as c.2176T>C), located in coding exon 4 of the MSH6 gene, results from a T to C substitution at nucleotide position 2176. The phenylalanine at codon 726 is replaced by leucine, an amino acid with highly similar properties. This amino acid position is highly conserved in available vertebrate species. In addition, this alteration is predicted to be deleterious by in silico analysis. Since supporting evidence is limited at this time, the clinical significance of this alteration remains unclear.

Color Diagnostics, LLC DBA Color Health
Classification: Uncertain significance for Hereditary cancer-predisposing syndrome. Last evaluated: 2021-09-15. Review status: criteria provided, single submitter. Criteria: ACMG Guidelines, 2015. Collection method: clinical testing. Allele origin: germline.
Comment: This missense variant replaces phenylalanine with leucine at codon 726 of the MSH6 protein. Computational prediction is inconclusive regarding the impact of this variant on protein structure and function (internally defined REVEL score threshold 0.5 < inconclusive < 0.7, PMID: 27666373). To our knowledge, functional studies have not been reported for this variant. This variant has not been reported in individuals affected with hereditary cancer in the literature. This variant has not been identified in the general population by the Genome Aggregation Database (gnomAD). The available evidence is insufficient to determine the role of this variant in disease conclusively. Therefore, this variant is classified as a Variant of Uncertain Significance.

NM_000179.3(MSH6):c.2176T>C (p.Phe726Leu)

Gene: MSH6 (mutS homolog 6; plus strand). Cytogenetic location: 2p16.3.
Variant type: single nucleotide variant.
Coding change: c.2176T>C on transcript NM_000179.3 (MANE Select); coding-DNA position 2176, T replaced by C.
Protein change: p.Phe726Leu; replaces phenylalanine 726 with leucine.
Molecular consequence: missense variant.
Genome position (GRCh38, 1-based): chr2:47,800,159, T>C. VCF-style: chr2-47800159-T-C. GRCh37 (hg19) VCF-style: chr2-48027298-T-C.
Other names: c.1786T>C, p.Phe596Leu (NM_001281492.2); c.1270T>C, p.Phe424Leu (NM_001281493.2, NM_001281494.2); short protein forms F726L, F424L, F596L.
Identifiers: ClinVar variation 233402 (VCV000233402.22), dbSNP rs876660381, ClinGen allele CA10578096.